The following is an entry in ClinVar:

ClinVar aggregate classification (germline): Conflicting classifications of pathogenicity. Review status: criteria provided, conflicting classifications (1 of 4 stars). 3 submissions from 3 submitters: Likely pathogenic (1); Uncertain significance (1). 1 of the submissions does not count toward it. Last evaluated 2025-10-02.

Conditions:
Neuronal ceroid lipofuscinosis 2. Also called: JANSKY-BIELSCHOWSKY DISEASE NEURONAL CEROID LIPOFUSCINOSIS, LATE INFANTILE; TPP1-Related Neuronal Ceroid-Lipofuscinosis. Identifiers: Orphanet 168491, Orphanet 228349, Orphanet 79264, MedGen C1876161, MONDO:0008769, OMIM 204500.

Allele frequency attached by ClinVar (database versions not stated): gnomAD 0.00001; gnomAD exomes 0.00001; TOPMed 0.00001.
gnomAD v4.1: 15 of 1,614,038 alleles (0.00093%); highest among the groups gnomAD compares: Middle Eastern, 0.016%; 1 homozygote.

Submissions (3):

Labcorp Genetics (formerly Invitae), Labcorp
Classification: Likely pathogenic. Last evaluated: 2025-10-02. Review status: criteria provided, single submitter. Criteria: Invitae Variant Classification Sherloc (09022015). Collection method: clinical testing. Allele origin: germline.
Comment: This sequence change replaces arginine, which is basic and polar, with cysteine, which is neutral and slightly polar, at codon 447 of the TPP1 protein (p.Arg447Cys). This variant is present in population databases (no rsID available, gnomAD 0.006%). This variant has not been reported in the literature in individuals affected with TPP1-related conditions. ClinVar contains an entry for this variant (Variation ID: 427077). Invitae Evidence Modeling of protein sequence and biophysical properties (such as structural, functional, and spatial information, amino acid conservation, physicochemical variation, residue mobility, and thermodynamic stability) indicates that this missense variant is expected to disrupt TPP1 protein function with a positive predictive value of 95%. This variant disrupts the p.Arg447 amino acid residue in TPP1. Other variant(s) that disrupt this residue have been determined to be pathogenic (PMID: 10330339, 20340139). This suggests that this residue is clinically significant, and that variants that disrupt this residue are likely to be disease-causing. In summary, the currently available evidence indicates that the variant is pathogenic, but additional data are needed to prove that conclusively. Therefore, this variant has been classified as Likely Pathogenic.

GeneDx
Classification: Uncertain significance. Last evaluated: 2017-10-31. Review status: criteria provided, single submitter. Criteria: GeneDx Variant Classification (06012015). Collection method: clinical testing. Allele origin: germline. Affected: yes.
Comment: The R447C variant has not been published as a pathogenic variant, nor has it been reported as a benign variant to our knowledge. However, a different amino acid substitution at the same position (R447H) has been reported previously in association with late-infantile neuronal ceroid lipofuscinosis (Sleat et al., 1999). The R447C variant is not observed at a significant frequency in large population cohorts (Lek et al., 2016). The R447C variant is a non-conservative amino acid substitution, which is likely to impact secondary protein structure as these residues differ in polarity, charge, size and/or other properties. This substitution occurs at a position that is conserved across species, and in silico analysis predicts this variant is probably damaging to the protein structure/function. Based on the currently available information, it is unclear whether this variant is a pathogenic variant or a rare benign variant.

Natera, Inc.
Classification: Uncertain significance for Neuronal ceroid lipofuscinosis 2. Last evaluated: 2020-07-02. Review status: no assertion criteria provided. Collection method: clinical testing. Allele origin: germline. Not counted in ClinVar's aggregate classification.

Literature cited by the submitters: PubMed 10330339 (cited by Labcorp Genetics (formerly Invitae), Labcorp); PubMed 20340139 (cited by Labcorp Genetics (formerly Invitae), Labcorp).

NM_000391.4(TPP1):c.1339C>T (p.Arg447Cys)

Gene: TPP1 (tripeptidyl peptidase 1; minus strand). Cytogenetic location: 11p15.4.
Variant type: single nucleotide variant.
Coding change: c.1339C>T on transcript NM_000391.4 (MANE Select); coding-DNA position 1339, C replaced by T.
Protein change: p.Arg447Cys; replaces arginine 447 with cysteine.
Molecular consequence: missense variant.
Genome position (GRCh38, 1-based): chr11:6,615,257, G>A on the plus strand (C>T on the coding strand, the complement: TPP1 is on the minus strand). VCF-style: chr11-6615257-G-A. GRCh37 (hg19) VCF-style: chr11-6636488-G-A.
Other names: short protein forms R447C.
Identifiers: ClinVar variation 427077 (VCV000427077.8), dbSNP rs1035033641, ClinGen allele CA217321529.